The following is an entry in ClinVar:

NM_000218.3(KCNQ1):c.784C>G (p.Leu262Val)

Gene: KCNQ1 (potassium voltage-gated channel subfamily Q member 1; plus strand). Cytogenetic location: 11p15.5.
Variant type: single nucleotide variant.
Coding change: c.784C>G on transcript NM_000218.3 (MANE Select); coding-DNA position 784, C replaced by G.
Protein change: p.Leu262Val; replaces leucine 262 with valine.
Molecular consequence: missense variant.
Genome position (GRCh38, 1-based): chr11:2,572,849, C>G. VCF-style: chr11-2572849-C-G. GRCh37 (hg19) VCF-style: chr11-2594079-C-G.
Other names: c.784C>G (LRG_287t1); c.784C>G, p.Leu262Val (NM_001406836.1); c.514C>G, p.Leu172Val (NM_001406837.1); c.403C>G, p.Leu135Val (NM_181798.2); short protein forms L262V, L135V, L172V.
Identifiers: ClinVar variation 53105 (VCV000053105.5), dbSNP rs199472723, ClinGen allele CA008237.

ClinVar aggregate classification (germline): Uncertain significance. Review status: criteria provided, single submitter (1 of 4 stars). 2 submissions from 2 submitters: Uncertain significance (1). 1 of the submissions does not count toward it. Last evaluated 2019-10-17.

Conditions:
Familial long QT syndrome (RWS). Also called: Congenital long QT syndrome; Romano-Ward syndrome; VENTRICULAR FIBRILLATION WITH PROLONGED QT INTERVAL. Identifiers: Orphanet 768, MedGen C1141890, MONDO:0019171.

Submissions (2):

GeneDx
Classification: Uncertain significance. Last evaluated: 2019-10-17. Review status: criteria provided, single submitter. Criteria: GeneDx Variant Classification Process June 2021. Collection method: clinical testing. Allele origin: germline. Affected: yes.
Comment: Not observed in large population cohorts (Lek et al., 2016); In silico analysis, which includes protein predictors and evolutionary conservation, supports a deleterious effect; This variant is associated with the following publications: (PMID: 16414944)

Cardiovascular Biomedical Research Unit, Royal Brompton & Harefield NHS Foundation Trust
No classification provided. Condition: Familial long QT syndrome. Review status: no classification provided. Collection method: literature only. Allele origin: germline. Not counted in ClinVar's aggregate classification.
Comment: This variant has been reported as associated with Long QT syndrome in the following publications (PMID:16414944;PMID:19716085). This is a literature report, and does not necessarily reflect the clinical interpretation of the Imperial College / Royal Brompton Cardiovascular Genetics laboratory.

Literature cited by the submitters: PubMed 16414944 (cited by Cardiovascular Biomedical Research Unit, Royal Brompton & Harefield NHS Foundation Trust); PubMed 19716085 (cited by Cardiovascular Biomedical Research Unit, Royal Brompton & Harefield NHS Foundation Trust); PubMed 22581653 (cited by Cardiovascular Biomedical Research Unit, Royal Brompton & Harefield NHS Foundation Trust).